The following is an entry in ClinVar:

ClinVar aggregate classification (germline): Conflicting classifications of pathogenicity. Review status: criteria provided, conflicting classifications (1 of 4 stars). 4 submissions from 4 submitters: Uncertain significance (1); Likely benign (2). 1 of the submissions does not count toward it. Last evaluated 2026-02-01.

Conditions:
IL36RN-related disorder. Also called: IL36RN-related condition.
Generalized pustular psoriasis. Identifiers: Orphanet 247353, MedGen C0343055, MONDO:0100491.

Allele frequency attached by ClinVar (database versions not stated): TOPMed 0.00003; gnomAD 0.00004 and 0.00005; 1000 Genomes Project 30x 0.00016; 1000 Genomes Project 0.00020.

Submissions (4):

Labcorp Genetics (formerly Invitae), Labcorp
Classification: Likely benign for Generalized pustular psoriasis. Last evaluated: 2026-02-01. Review status: criteria provided, single submitter. Criteria: Invitae Variant Classification Sherloc (09022015). Collection method: clinical testing. Allele origin: germline.

Mayo Clinic Laboratories, Mayo Clinic
Classification: Likely benign. Last evaluated: 2025-11-19. Review status: criteria provided, single submitter. Criteria: ACMG Guidelines, 2015. Collection method: clinical testing. Allele origin: germline. Observed: 1 variant allele.
Comment: BP4, BP7

Blueprint Genetics
Classification: Uncertain significance. Last evaluated: 2023-09-05. Review status: criteria provided, single submitter. Criteria: ACMG Guidelines, 2015. Collection method: clinical testing. Allele origin: germline.

PreventionGenetics, part of Exact Sciences
Classification: Likely benign for IL36RN-related condition. Last evaluated: 2023-06-16. Review status: no assertion criteria provided. Collection method: clinical testing. Allele origin: germline. Not counted in ClinVar's aggregate classification.
Comment: This variant is classified as likely benign based on ACMG/AMP sequence variant interpretation guidelines (Richards et al. 2015 PMID: 25741868, with internal and published modifications).

NM_012275.3(IL36RN):c.351G>A (p.Pro117=)

Gene: IL36RN (interleukin 36 receptor antagonist; plus strand). Cytogenetic location: 2q14.1.
Variant type: single nucleotide variant.
Coding change: c.351G>A on transcript NM_012275.3 (MANE Select); coding-DNA position 351, G replaced by A.
Protein change: p.Pro117=; no amino-acid change (proline 117 retained).
Molecular consequence: synonymous variant.
Genome position (GRCh38, 1-based): chr2:113,062,560, G>A. VCF-style: chr2-113062560-G-A. GRCh37 (hg19) VCF-style: chr2-113820137-G-A.
Other names: p.Pro117=; c.351G>A, p.Pro117= (NM_173170.1); c.351G>A (NM_012275.2).
Identifiers: ClinVar variation 1024624 (VCV001024624.11), dbSNP rs202161658, ClinGen allele CA1838447.